The following is an entry in ClinVar:

NM_000742.4(CHRNA2):c.339+2T>A

Gene: CHRNA2 (cholinergic receptor nicotinic alpha 2 subunit; minus strand). Cytogenetic location: 8p21.2.
Variant type: single nucleotide variant.
Coding change: c.339+2T>A on transcript NM_000742.4 (MANE Select); the canonical splice donor site of the intron after coding-DNA position 339, T replaced by A.
Molecular consequence: splice donor variant.
Genome position (GRCh38, 1-based): chr8:27,469,333, A>T on the plus strand (T>A on the coding strand, the complement: CHRNA2 is on the minus strand). VCF-style: chr8-27469333-A-T. GRCh37 (hg19) VCF-style: chr8-27326850-A-T.
Other names: c.-134+2T>A (NM_001347705.2, NM_001347706.2); c.294+2T>A (NM_001282455.2); c.-123+2T>A (NM_001347708.2); c.-120+2T>A (NM_001347707.2).
Identifiers: ClinVar variation 3901206 (VCV003901206.1).

ClinVar aggregate classification (germline): Uncertain significance (1 of 4 stars; one submission).

Conditions:
Autosomal dominant nocturnal frontal lobe epilepsy 4. Also called: EPILEPSY, FAMILIAL, WITH NOCTURNAL WANDERING AND ICTAL FEAR; CHRNA2-Related Nocturnal Frontal Lobe Epilepsy, Autosomal Dominant. Identifiers: Orphanet 98784, MedGen C1835905, MONDO:0012474, OMIM 610353.

gnomAD v4.1: 1 of 1,554,810 alleles (0.000064%); no homozygotes.

Submission:

Institute of Human Genetics, University of Leipzig Medical Center
Classification: Uncertain significance for Autosomal dominant nocturnal frontal lobe epilepsy 4. Last evaluated: 2025-04-29. Review status: criteria provided, single submitter. Criteria: ACMG Guidelines, 2015. Collection method: clinical testing. Allele origin: maternal. Inheritance: Autosomal dominant inheritance. Affected: yes.
Comment: Criteria applied: PVS1_MOD,PM2_SUP